The following is an entry in ClinVar:

NM_001160372.4(TRAPPC9):c.1407C>T (p.Tyr469=)

Gene: TRAPPC9 (trafficking protein particle complex subunit 9; minus strand). Cytogenetic location: 8q24.3.
Variant type: single nucleotide variant.
Coding change: c.1407C>T on transcript NM_001160372.4 (MANE Select); coding-DNA position 1407, C replaced by T.
Protein change: p.Tyr469=; no amino-acid change (tyrosine 469 retained).
Molecular consequence: synonymous variant. On other transcripts: non-coding transcript variant (1), intron variant (1).
Genome position (GRCh38, 1-based): chr8:140,360,138, G>A on the plus strand (C>T on the coding strand, the complement: TRAPPC9 is on the minus strand). VCF-style: chr8-140360138-G-A. GRCh37 (hg19) VCF-style: chr8-141370237-G-A.
Other names: c.1380C>T, p.Tyr460= (NM_001321646.2); c.1428C>T, p.Tyr476= (NM_001374682.1); c.1407C>T, p.Tyr469= (NM_001374683.1, NM_031466.8); c.1351+10826C>T (NM_001374684.1).
Identifiers: ClinVar variation 130614 (VCV000130614.55), dbSNP rs117632905, ClinGen allele CA155755.
Genomic context (GRCh38, chr8:140,360,138, plus strand): 5'-CTGTAGAAGGAAGGACAGGTGTCTGACAGAGAGGGCAGGGTTCCCCATCCTTCGGGAGGC[G>A]TAGACCAATTCATGGAGCAAACGCATCTGGACCGCAGCCCAGCCTCTGTGCGTGCCTGCG-3'
Protein context (NP_001153844.1, residues 459-479): VQMRLLHELV[Tyr469=]ASRRMGNPAL

ClinVar aggregate classification (germline): Benign/Likely benign. Review status: criteria provided, multiple submitters, no conflicts (2 of 4 stars). 5 submissions from 5 submitters: Benign (2); Likely benign (3). Last evaluated 2026-04-01.

Conditions:
TRAPPC9-related disorder. Also called: TRAPPC9-related condition.
Inborn genetic diseases. Identifiers: MedGen C0950123, MeSH D030342.

Allele frequency attached by ClinVar (database versions not stated): ESP Exome Variant Server 0.00023; TOPMed 0.00040; 1000 Genomes Project 30x 0.00078; gnomAD exomes 0.00091 and 0.00210; 1000 Genomes Project 0.00100; gnomAD 0.00151; ExAC 0.00186.
gnomAD v4.1: 1,556 of 1,614,206 alleles (0.096%); highest among the groups gnomAD compares: East Asian, 0.13%; 13 homozygotes.

Submissions (5):

CeGaT Center for Human Genetics Tuebingen
Classification: Likely benign. Last evaluated: 2026-04-01. Review status: criteria provided, single submitter. Criteria: CeGaT Center For Human Genetics Tuebingen Variant Classification Criteria Version 2. Collection method: clinical testing. Allele origin: germline. Affected: yes. Observed: 11 variant alleles.
Comment: TRAPPC9: BP4, BP7

Labcorp Genetics (formerly Invitae), Labcorp
Classification: Benign. Last evaluated: 2025-12-27. Review status: criteria provided, single submitter. Criteria: Invitae Variant Classification Sherloc (09022015). Collection method: clinical testing. Allele origin: germline.

PreventionGenetics, part of Exact Sciences
Classification: Benign for TRAPPC9-related condition. Last evaluated: 2024-11-11. Review status: criteria provided, single submitter. Criteria: ACMG Guidelines, 2015. Collection method: clinical testing. Allele origin: germline.
Comment: This variant is classified as benign based on ACMG/AMP sequence variant interpretation guidelines (Richards et al. 2015 PMID: 25741868, with internal and published modifications).

Ambry Genetics
Classification: Likely benign for Inborn genetic diseases. Last evaluated: 2018-10-11. Review status: criteria provided, single submitter. Criteria: Ambry Variant Classification Scheme 2023. Collection method: clinical testing. Allele origin: germline.

Genetic Services Laboratory, University of Chicago
Classification: Likely benign. Last evaluated: 2015-03-23. Review status: criteria provided, single submitter. Criteria: ACMG Guidelines, 2015. Collection method: clinical testing. Allele origin: germline.